The following continues an entry in ClinVar:

NM_007294.4(BRCA1):c.5074G>C (p.Asp1692His)

Gene: BRCA1. ClinVar aggregate classification (germline): Pathogenic. Pathogenic (1).

Submissions 6 to 15 of 19:

GeneDx
Classification: Pathogenic. Last evaluated: 2023-12-01. Review status: criteria provided, single submitter. Criteria: GeneDx Variant Classification Process June 2021. Collection method: clinical testing. Allele origin: germline. Affected: yes. Not counted in ClinVar's aggregate classification.
Comment: Published functional studies demonstrate a damaging effect: impaired transcriptional activity and classified as non-functional based on a saturation genome editing (SGE) assay measuring cell growth (PMID: 20516115, 28781887, 30209399, 30765603, 33087888); Multifactorial likelihood analysis suggests this variant is pathogenic (PMID: 31131967); Not observed at significant frequency in large population cohorts (gnomAD); Also known as 5193G>C; This variant is associated with the following publications: (PMID: 22762150, 21769658, 29053726, 33629534, 31131967, 20516115, 14647443, 22505045, 25782689, 23239986, 25724305, 28781887, 30209399, 30765603, 33087888, 30787465, 25348405, 31447099, 30702160, 29446198, 29922827, 31794323, 31825140)

Quest Diagnostics Nichols Institute San Juan Capistrano
Classification: Pathogenic. Last evaluated: 2023-09-29. Review status: criteria provided, single submitter. Criteria: Quest Diagnostics criteria. Collection method: clinical testing. Allele origin: unknown. Not counted in ClinVar's aggregate classification.
Comment: The BRCA1 c.5074G>C (p.Asp1692His) variant has been reported in the published literature in affected individuals with breast and/or ovarian cancer (PMIDs: 22762150 (2012), 21769658 (2012), 23239986 (2012), 30702160 (2019), and 33629534 (2021)). It has also been reported in an individual with bladder cancer (PMID: 31794323 (2020)). Functional studies have shown that this variant is damaging to protein function and aberrant splicing can result in exon 17 skipping (PMIDs: 25724305 (2015) and 30209399 (2018)). However, the loss of exon 17 has also been observed in naturally occurring BRCA1 isoforms (PMID: 23239986 (2012)). Additional functional studies have reported conflicting results on the effect of this variant on BRCA1 protein function (PMID: 20516115 (2010)). The frequency of this variant in the general population, 0.000012 (3/251348 chromosomes (Genome Aggregation Database)), is uninformative in the assessment of its pathogenicity. Analysis of this variant using software algorithms for the prediction of the effect of nucleotide changes on splicing yielded predictions that this variant may affect proper BRCA1 mRNA splicing. Based on the available information, this variant is classified as pathogenic.

Baylor Genetics
Classification: Pathogenic for Breast-ovarian cancer, familial, susceptibility to, 1. Last evaluated: 2023-06-23. Review status: criteria provided, single submitter. Criteria: ACMG Guidelines, 2015. Collection method: clinical testing. Allele origin: unknown. Not counted in ClinVar's aggregate classification.

All of Us Research Program, National Institutes of Health
Classification: Pathogenic for Breast-ovarian cancer, familial, susceptibility to, 1. Last evaluated: 2023-04-10. Review status: criteria provided, single submitter. Criteria: ACMG Guidelines, 2015. Collection method: clinical testing. Allele origin: germline. Inheritance: Autosomal dominant inheritance. Observed: 1 variant allele, 1 heterozygote. Not counted in ClinVar's aggregate classification.
Comment: This missense variant replaces aspartic acid with histidine at codon 1692 of the BRCA1 protein. Computational prediction tool suggests that this variant may have deleterious impact on protein structure and function (internally defined REVEL score threshold >= 0.7, PMID: 27666373). RNA studies reported that this variant causes aberrant mRNA splicing that introduces either a frameshift and/or a premature termination codon in patient RNA and minigene splicing assay (PMID: 21769658, 22505045, 25724305). Functional studies also have reported that this variant impacts BRCA1 function in homology-directed repair, transcription activation and haploid cell proliferation assays (PMID: 20516115, 30209399, 32546644). This variant has been reported in at least six individuals affected with breast and/or ovarian cancer (PMID: 21769658, 23239986, 28294317, DOI 10.1515/tjb-2019-0424). This variant has also been identified in 3/251348 chromosomes in the general population by the Genome Aggregation Database (gnomAD). In addition, different variants affecting the same position (c.5074G>A, c.5074G>T) are considered to be disease-causing (ClinVar variation ID: 37632, 55376), suggesting that the nucleotide at this position is important for normal RNA splicing. Loss of BRCA1 function is a known mechanism of disease. Based on the available evidence, this variant is classified as Pathogenic.

This study involves interpretation of variants in research participants for the purpose of population health screening. Participant phenotype was not available at the time of variant classification. Additional details can be found in publication PMID: 35346344, PMCID: PMC8962531

Laboratory for Molecular Medicine, Mass General Brigham Personalized Medicine
Classification: Likely pathogenic for Hereditary breast ovarian cancer syndrome. Last evaluated: 2021-01-12. Review status: criteria provided, single submitter. Criteria: LMM Criteria. Collection method: clinical testing. Allele origin: germline. Inheritance: Autosomal dominant inheritance. Observed: 2 variant alleles. Not counted in ClinVar's aggregate classification.
Comment: The p.Asp1692His variant in BRCA1 has been reported in at least 7 individuals with BRCA1-associated cancers (Lecarpentier 2012 PMID: 22762150, Houdayer 2012 PMID: 22505045, Thomassen 2012 PMID: 21769658, Wappenschmidt 2012 PMID: 23239986, Rebbeck 2018 PMID: 29446198, Breast Cancer Information Core (BIC) database). This variant has also been identified in 1/10078 Ashkenazi Jewish chromosomes, 1/113660 European chromosomes and 1/34586 Latino chromosomes in gnomAD. This frequency is low enough to be consistent with the frequency of hereditary breast and ovarian cancer (HBOC) in the general population. This variant is located in the last three bases of the exon, which is part of the 5' splice region. Multiple functional studies using patient RNA provide some evidence that the p.Asp1692His variant causes aberrant splicing (Houdayer 2012 PMID: 22505045, Thomassen 2012 PMID: 21769658, Wappenschmidt 2012 PMID: 23239986, Ahlborn 2015 PMID: 25724305, Woods 2016 PMID: 28781887). In addition, computational prediction tools and conservation analysis suggest that the p.Asp1692His variant may impact the protein. Moreover, this variant was classified as pathogenic on June 18th 2019, by the ClinGen-approved ENIGMA expert panel (Variation ID 37633). In summary, although additional studies are required to fully establish its clinical significance, the p.Ala1623Gly variant is likely pathogenic. ACMG/AMP Criteria applied: PS4_Moderate; PM2_Supporting; PS3_Moderate, PP3.

GeneKor MSA
Classification: Pathogenic. Last evaluated: 2020-01-01. Review status: criteria provided, single submitter. Criteria: ACMG Guidelines, 2015. Collection method: clinical testing. Allele origin: germline. Not counted in ClinVar's aggregate classification.
Comment: This variant is a single amino acid change from Aspartic acid to Histidine at amino acid residue 1692 of the BRCA1 gene. The Aspartic acid residue is highly conserved among species and it is located in a functional domain of the protein. There is a moderate physiochemical difference between Aspartic acid and Histidine (Grantham Score 81). This variant is present in population databases at a very low frequency (rs80187739, ExAC 0.002%) and it has been reported in the literature in individuals affected with breast and ovarian cancer (PMID: 21769658, 22762150, 22505045). This variant occurs at the last nucleotide of exon 16 of the BRCA1 coding sequence which is highly conserved in the human and other genomes, and is part of the consensus splice site. Nucleotide substitutions within the consensus splice site are relatively common causes of aberrant splicing (PMID: 17576681). Experimental studies have shown that this missense change disrupts normal splicing and leads to two alternately spliced products; one lucking exon 16 and another with retention of 153 base pairs of intron 16. This is expected to result in an absent or disrupted protein product and compromised transcription activation activity (PMID: 21769658, 22505045, 25724305). Algorithms developed to predict the effect of missense changes on protein structure and function suggest that this variant may be damaging to the protein. The mutation database ClinVar contains entries for this variant (Variation ID: 37633).

Women's Health and Genetics/Laboratory Corporation of America, LabCorp
Classification: Pathogenic for Hereditary breast ovarian cancer syndrome. Last evaluated: 2017-03-24. Review status: criteria provided, single submitter. Criteria: LabCorp Variant Classification Summary - May 2015. Collection method: clinical testing. Allele origin: germline. Not counted in ClinVar's aggregate classification.
Comment: Variant summary: The BRCA1 c.5074G>C (p.Asp1692His) variant involves the alteration of a conserved nucleotide at the exon 17-intron 17 junction and results in a missense subtitution. 5/5 in silico tools predict a damaging outcome for this variant. 5/5 splice prediction tools predict a significant impact on normal splicing and ESE finder predicts that this variant may affect several ESE sites at the locus. Functional studies have demonstrated in vitro splicing aberrations caused by the variant, including exon 17 skipping (Wappenschmidt_PLos One_2012; Ahlborn_BCRT_2015) and retention of 153bp of intron 17 that is predicted to result in a truncated protein (Ahlborn_BCRT_2015; Wappenschmidt_PLos One_2012; Thomassen_BRCA1&2_BCRT_2011). One study also showed a significant or total reduction of WT transcript via RT-PCR and agarose gel band sequence analysis (Thomassent_BRCA1&2_BCRT_2011). The variant lies within the BRCT domain and a functional study showed that a cell line with the variant had a 31% reduction in DNA repair (Coupier_Oncogene_2004). This variant was found in the large control database ExAC at a frequency of 0.0000083 (1/121082 control chromosomes), which does not exceed the estimated maximal expected allele frequency of a pathogenic BRCA1 variant (0.0010005). In addition, multiple clinical diagnostic laboratories/reputable databases classified this variant as pathogenic. Taken together, this variant is classified as pathogenic.

Consortium of Investigators of Modifiers of BRCA1/2 (CIMBA), c/o University of Cambridge
Classification: Pathogenic for Breast-ovarian cancer, familial, susceptibility to, 1. Last evaluated: 2015-10-02. Review status: criteria provided, single submitter. Criteria: CIMBA Mutation Classification guidelines May 2016. Collection method: clinical testing. Allele origin: germline. Not counted in ClinVar's aggregate classification.

German Consortium for Hereditary Breast and Ovarian Cancer, University Hospital Cologne
Classification: Likely pathogenic for Ovarian neoplasm. Last evaluated: 2018-12-01. Review status: no assertion criteria provided. Collection method: research. Allele origin: germline. Affected: yes. Not counted in ClinVar's aggregate classification.

Counsyl
Classification: Pathogenic for Breast-ovarian cancer, familial, susceptibility to, 1. Last evaluated: 2017-08-17. Review status: no assertion criteria provided. Collection method: clinical testing. Allele origin: unknown. Not counted in ClinVar's aggregate classification.